The following is an entry in ClinVar:

ClinVar aggregate classification (germline): Uncertain significance. Review status: criteria provided, multiple submitters, no conflicts (2 of 4 stars). 3 submissions from 3 submitters: Uncertain significance (3). Last evaluated 2025-09-17.

Conditions:
Inborn genetic diseases. Identifiers: MedGen C0950123, MeSH D030342.

Allele frequency attached by ClinVar (database versions not stated): TOPMed 0.00002; gnomAD 0.00001; ExAC 0.00001; gnomAD exomes 0.00002; ESP Exome Variant Server 0.00009.
gnomAD v4.1: 17 of 1,209,821 alleles (0.0014%); highest among the groups gnomAD compares: Non-Finnish European, 0.0019%; no homozygotes.

Submissions (3):

GeneDx
Classification: Uncertain significance. Last evaluated: 2025-09-17. Review status: criteria provided, single submitter. Criteria: GeneDx Variant Classification Process June 2021. Collection method: clinical testing. Allele origin: germline. Affected: yes.
Comment: Has not been previously published as pathogenic or benign to our knowledge; Not observed at significant frequency in large population cohorts (gnomAD); In silico analysis suggests that this missense variant does not alter protein structure/function

Labcorp Genetics (formerly Invitae), Labcorp
Classification: Uncertain significance. Last evaluated: 2025-06-18. Review status: criteria provided, single submitter. Criteria: Invitae Variant Classification Sherloc (09022015). Collection method: clinical testing. Allele origin: germline.
Comment: This sequence change replaces leucine, which is neutral and non-polar, with phenylalanine, which is neutral and non-polar, at codon 885 of the HUWE1 protein (p.Leu885Phe). This variant is present in population databases (rs368371869, gnomAD 0.001%), including at least one homozygous and/or hemizygous individual. This variant has not been reported in the literature in individuals affected with HUWE1-related conditions. ClinVar contains an entry for this variant (Variation ID: 589605). Invitae Evidence Modeling of protein sequence and biophysical properties (such as structural, functional, and spatial information, amino acid conservation, physicochemical variation, residue mobility, and thermodynamic stability) has been performed for this missense variant. However, the output from this modeling did not meet the statistical confidence thresholds required to predict the impact of this variant on HUWE1 protein function. In summary, the available evidence is currently insufficient to determine the role of this variant in disease. Therefore, it has been classified as a Variant of Uncertain Significance.

Ambry Genetics
Classification: Uncertain significance for Inborn genetic diseases. Last evaluated: 2017-04-11. Review status: criteria provided, single submitter. Criteria: Ambry Variant Classification Scheme 2023. Collection method: clinical testing. Allele origin: germline.
Comment: The p.L885F variant (also known as c.2653C>T), located in coding exon 23 of the HUWE1 gene, results from a C to T substitution at nucleotide position 2653. The leucine at codon 885 is replaced by phenylalanine, an amino acid with highly similar properties. This amino acid position is highly conserved in available vertebrate species. In addition, this alteration is predicted to be tolerated by in silico analysis. Since supporting evidence is limited at this time, the clinical significance of this alteration remains unclear.

NM_031407.7(HUWE1):c.2653C>T (p.Leu885Phe)

Gene: HUWE1 (HECT, UBA and WWE domain containing E3 ubiquitin protein ligase 1; minus strand). Cytogenetic location: Xp11.22.
Variant type: single nucleotide variant.
Coding change: c.2653C>T on transcript NM_031407.7 (MANE Select); coding-DNA position 2653, C replaced by T.
Protein change: p.Leu885Phe; replaces leucine 885 with phenylalanine.
Molecular consequence: missense variant.
Genome position (GRCh38, 1-based): chrX:53,604,678, G>A on the plus strand (C>T on the coding strand, the complement: HUWE1 is on the minus strand). VCF-style: chrX-53604678-G-A. GRCh37 (hg19) VCF-style: chrX-53631639-G-A.
Other names: short protein forms L885F.
Identifiers: ClinVar variation 589605 (VCV000589605.8), dbSNP rs368371869, ClinGen allele CA10422696.